The following is an entry in ClinVar:

NM_001374385.1(ATP8B1):c.1240_1244delinsTG (p.Gly414_Gln415delinsTrp)

Gene: ATP8B1 (ATPase phospholipid transporting 8B1; minus strand). Cytogenetic location: 18q21.31.
Variant type: Indel.
Coding change: c.1240_1244delinsTG on transcript NM_001374385.1 (MANE Select); coding-DNA positions 1240 to 1244, GGACA replaced by TG.
Protein change: p.Gly414_Gln415delinsTrp.
Molecular consequence: inframe indel.
Genome position (GRCh38, 1-based): chr18:57,688,484-57,688,488, TGTCC replaced by CA on the plus strand (GGACA replaced by TG on the coding strand, the reverse complement: ATP8B1 is on the minus strand). VCF-style: chr18-57688484-TGTCC-CA. GRCh37 (hg19) VCF-style: chr18-55355716-TGTCC-CA.
Other names: c.1090_1094delinsTG, p.Gly364_Gln365delinsTrp (NM_001374386.1); c.1240_1244delinsTG, p.Gly414_Gln415delinsTrp (NM_005603.6).
Identifiers: ClinVar variation 1321425 (VCV001321425.1), dbSNP rs2122850900, ClinGen allele CA2573054687.
Genomic context (GRCh38, chr18:57,688,484, plus strand): 5'-TTTGCGGGTGTGTCCTTCTCAGCATAGTACATTTGCAGGTCCCAGTTGATGAAGTGACTC[TGTCC>CA]AAGACGAATCACTTCCACGCTAGGAAGACAGAAGATTATTTTCCGTAGAGAGCTCGGATA-3'

ClinVar aggregate classification (germline): Uncertain significance (1 of 4 stars; one submission).

Submission:

Women's Health and Genetics/Laboratory Corporation of America, LabCorp
Classification: Uncertain significance. Last evaluated: 2021-10-25. Review status: criteria provided, single submitter. Criteria: LabCorp Variant Classification Summary - May 2015. Collection method: clinical testing. Allele origin: germline.
Comment: Variant summary: ATP8B1 c.1240_1244delinsTG (p.Gly414_Gln415delinsTrp) results in an in-frame deletion-insertion that is predicted to delete two amino acids and insert one amino acid from the protein. The variant was absent in 251426 control chromosomes. The available data on variant occurrences in the general population are insufficient to allow any conclusion about variant significance. To our knowledge, no occurrence of c.1240_1244delinsTG in individuals affected with Familial Intrahepatic Cholestasis and no experimental evidence demonstrating its impact on protein function have been reported. No clinical diagnostic laboratories have submitted clinical-significance assessments for this variant to ClinVar after 2014. Based on the evidence outlined above, the variant was classified as uncertain significance.